The following is an entry in ClinVar:

ClinVar aggregate classification (germline): Pathogenic (1 of 4 stars; one submission).

Conditions:
Cardiovascular phenotype. Identifiers: MedGen CN230736.
Hereditary cancer-predisposing syndrome. Also called: Tumor predisposition; Hereditary neoplastic syndrome; Neoplastic Syndromes, Hereditary; Hereditary Cancer Syndrome. Identifiers: Orphanet 140162, MedGen C0027672, MeSH D009386, MONDO:0015356.

Submission:

Ambry Genetics
Classification: Pathogenic for Cardiovascular phenotype; Hereditary cancer-predisposing syndrome. Last evaluated: 2025-03-19. Review status: criteria provided, single submitter. Criteria: Ambry Variant Classification Scheme 2023. Collection method: clinical testing. Allele origin: germline.
Comment: The c.2974delA pathogenic mutation, located in coding exon 22 of the NF1 gene, results from a deletion of one nucleotide at nucleotide position 2974, causing a translational frameshift with a predicted alternate stop codon (p.M992Cfs*2). This variant is considered to be rare based on population cohorts in the Genome Aggregation Database (gnomAD). This alteration is expected to result in loss of function by premature protein truncation or nonsense-mediated mRNA decay. As such, this alteration is interpreted as a disease-causing mutation.

NM_001042492.3(NF1):c.2974del (p.Met992fs)

Gene: NF1 (neurofibromin 1; plus strand). Cytogenetic location: 17q11.2.
Variant type: Deletion.
Coding change: c.2974del on transcript NM_001042492.3 (MANE Select); coding-DNA position 2974, one base deleted (A; older notation c.2974delA).
Protein change: p.Met992fs; shifts the reading frame from methionine 992.
Molecular consequence: frameshift variant.
Genome position (GRCh38, 1-based): chr17:31,229,958, A deleted. VCF-style (leftmost placement, unchanged base first): chr17-31229957-GA-G. GRCh37 (hg19) VCF-style: chr17-29556975-GA-G.
Other names: c.2974delA (NM_000267.3); c.2974delA, p.Met992Cysfs (NM_000267.4); short protein forms M992fs.
Identifiers: ClinVar variation 4012776 (VCV004012776.1).
Genomic context (GRCh38, chr17:31,229,957, plus strand): 5'-GCTAGATAATCATACTGAAGGCAGCTCTGAACATCTAGGGCAAGCTAGCATTGAAACAAT[GA>G]TGTTAAATCTGGTCAGGTAAGCATTCTACTGAAATGTAGCAGAAACATTTTAAGAGATAA-3'